The following is an entry in ClinVar:

NM_147127.5(EVC2):c.3648_3649delinsTT (p.Lys1216_Arg1217delinsAsnTer)

Gene: EVC2 (EvC ciliary complex subunit 2; minus strand). Cytogenetic location: 4p16.2.
Variant type: Indel.
Coding change: c.3648_3649delinsTT on transcript NM_147127.5 (MANE Select); coding-DNA positions 3648 to 3649, GA replaced by TT.
Protein change: p.Lys1216_Arg1217delinsAsnTer.
Molecular consequence: nonsense.
Genome position (GRCh38, 1-based): chr4:5,565,268-5,565,269, TC replaced by AA on the plus strand (GA replaced by TT on the coding strand, the reverse complement: EVC2 is on the minus strand). VCF-style: chr4-5565268-TC-AA. GRCh37 (hg19) VCF-style: chr4-5566995-TC-AA.
Other names: c.3408_3409delinsTT, p.Lys1136_Arg1137delinsAsnTer (NM_001166136.2).
Identifiers: ClinVar variation 1372870 (VCV001372870.7), dbSNP rs2108767230, ClinGen allele CA2573138244.
Genomic context (GRCh38, chr4:5,565,268, plus strand): 5'-CAGCTTAGCTCACCCCCTCCCCAGCCACATGAGCAGGTGCCCATCATTACCTCTGCTTTC[TC>AA]TTGCGGGCCCACAGCATCTTTTCTAATCCTCTGCTTATCAGATCTCCTCGCAGTTTGCCA-3'

ClinVar aggregate classification (germline): Pathogenic (1 of 4 stars; one submission).

Conditions:
Ellis-van Creveld syndrome (EVC). Also called: Chondroectodermal dysplasia; EVC-Related Ellis-van Creveld Syndrome; EVC2-Related Ellis-van Creveld Syndrome; MESOECTODERMAL DYSPLASIA. Identifiers: Orphanet 289, MedGen C0013903, MONDO:0009162, OMIM 225500.
Curry-Hall syndrome (WAD). Also called: WEYERS ACRODENTAL DYSOSTOSIS. Identifiers: Orphanet 952, MedGen C0457013, MONDO:0008673, OMIM 193530.

Submission:

Labcorp Genetics (formerly Invitae), Labcorp
Classification: Pathogenic for Curry-Hall syndrome; Ellis-van Creveld syndrome. Last evaluated: 2021-09-08. Review status: criteria provided, single submitter. Criteria: Invitae Variant Classification Sherloc (09022015). Collection method: clinical testing. Allele origin: germline.
Comment: For these reasons, this variant has been classified as Pathogenic. This variant disrupts a region of the EVC2 protein in which other variant(s) (p.Ser1220Argfs*3) have been determined to be pathogenic (PMID: 12571802, 19810119). This suggests that this is a clinically significant region of the protein, and that variants that disrupt it are likely to be disease-causing. This variant has not been reported in the literature in individuals affected with EVC2-related conditions. The frequency data for this variant in the population databases is not available, as this variant may be reported as separate entries in the ExAC database. This sequence change creates a premature translational stop signal (p.Lys1216_Arg1217delinsAsn*) in the EVC2 gene. While this is not anticipated to result in nonsense mediated decay, it is expected to disrupt the last 93 amino acid(s) of the EVC2 protein.

Literature cited by the submitters: PubMed 12571802; PubMed 19810119.